The following is an entry in ClinVar:

NM_025099.6(CTC1):c.2T>C (p.Met1Thr)

Genes: CTC1 (CST telomere replication complex component 1; minus strand), PFAS (phosphoribosylformylglycinamidine synthase; plus strand). Cytogenetic location: 17p13.1.
Variant type: single nucleotide variant.
Coding change: c.2T>C on transcript NM_025099.6 (MANE Select); coding-DNA position 2, T replaced by C.
Protein change: p.Met1Thr; changes the start codon (methionine 1).
Molecular consequence: missense variant, initiator codon variant. On other transcripts: non-coding transcript variant (1).
Genome position (GRCh38, 1-based): chr17:8,248,035, A>G on the plus strand (T>C on the coding strand, the complement: CTC1 is on the minus strand). VCF-style: chr17-8248035-A-G. GRCh37 (hg19) VCF-style: chr17-8151353-A-G.
Other names: short protein forms M1T.
Identifiers: ClinVar variation 1342131 (VCV001342131.8), dbSNP rs1299853886, ClinGen allele CA397999703.
Genomic context (GRCh38, chr17:8,248,035, plus strand): 5'-GGAACAAGAGACGTAATAGCAGCACTCACGGAGGAAGGGACCTGGGCCCGGCCAGCCGCC[A>G]TGATGCGCCGGAGCTCCGCCCCCGGGAGGGGCAGGTGCTCGCTTGGGGGTGGGGATGGGG-3'
Protein context (NP_079375.3, residues 1-11): [Met1Thr]AAGRAQVPSS

ClinVar aggregate classification (germline): Pathogenic. Review status: criteria provided, multiple submitters, no conflicts (2 of 4 stars). 2 submissions from 2 submitters: Pathogenic (2). Last evaluated 2023-01-16.

Conditions:
Dyskeratosis congenita. Identifiers: Orphanet 1775, MedGen C0265965, MONDO:0015780.

Submissions (2):

Labcorp Genetics (formerly Invitae), Labcorp
Classification: Pathogenic for Dyskeratosis congenita. Last evaluated: 2023-01-16. Review status: criteria provided, single submitter. Criteria: Invitae Variant Classification Sherloc (09022015). Collection method: clinical testing. Allele origin: germline.
Comment: This sequence change affects the initiator methionine of the CTC1 mRNA. The next in-frame methionine is located at codon 300. This variant is not present in population databases (gnomAD no frequency). This variant has not been reported in the literature in individuals affected with CTC1-related conditions. ClinVar contains an entry for this variant (Variation ID: 1342131). This variant disrupts a region of the CTC1 protein in which other variant(s) (p.Ala227Val) have been determined to be pathogenic (PMID: 22387016, 24115768, 29481669). This suggests that this is a clinically significant region of the protein, and that variants that disrupt it are likely to be disease-causing. For these reasons, this variant has been classified as Pathogenic.

Genetic Services Laboratory, University of Chicago
Classification: Pathogenic. Last evaluated: 2022-01-25. Review status: criteria provided, single submitter. Criteria: ACMG Guidelines, 2015. Collection method: clinical testing. Allele origin: germline.

Literature cited by the submitters: PubMed 22387016 (cited by Labcorp Genetics (formerly Invitae), Labcorp); PubMed 24115768 (cited by Labcorp Genetics (formerly Invitae), Labcorp); PubMed 29481669 (cited by Labcorp Genetics (formerly Invitae), Labcorp).